The following is an entry in ClinVar:

NM_020338.4(ZMIZ1):c.1206C>G (p.Asn402Lys)

Gene: ZMIZ1 (zinc finger MIZ-type containing 1; plus strand). Cytogenetic location: 10q22.3.
Variant type: single nucleotide variant.
Coding change: c.1206C>G on transcript NM_020338.4 (MANE Select); coding-DNA position 1206, C replaced by G.
Protein change: p.Asn402Lys; replaces asparagine 402 with lysine.
Molecular consequence: missense variant.
Genome position (GRCh38, 1-based): chr10:79,293,629, C>G. VCF-style: chr10-79293629-C-G. GRCh37 (hg19) VCF-style: chr10-81053386-C-G.
Other names: short protein forms N402K.
Identifiers: ClinVar variation 3691604 (VCV003691604.2).

ClinVar aggregate classification (germline): Uncertain significance (1 of 4 stars; one submission).

Submission:

Labcorp Genetics (formerly Invitae), Labcorp
Classification: Uncertain significance. Last evaluated: 2025-03-17. Review status: criteria provided, single submitter. Criteria: Invitae Variant Classification Sherloc (09022015). Collection method: clinical testing. Allele origin: germline.
Comment: This sequence change replaces asparagine, which is neutral and polar, with lysine, which is basic and polar, at codon 402 of the ZMIZ1 protein (p.Asn402Lys). This variant is not present in population databases (gnomAD no frequency). This variant has not been reported in the literature in individuals affected with ZMIZ1-related conditions. Invitae Evidence Modeling of protein sequence and biophysical properties (such as structural, functional, and spatial information, amino acid conservation, physicochemical variation, residue mobility, and thermodynamic stability) indicates that this missense variant is not expected to disrupt ZMIZ1 protein function with a negative predictive value of 95%. In summary, the available evidence is currently insufficient to determine the role of this variant in disease. Therefore, it has been classified as a Variant of Uncertain Significance.